The following is an entry in ClinVar:

ClinVar aggregate classification (germline): Benign/Likely benign. Review status: criteria provided, multiple submitters, no conflicts (2 of 4 stars). 5 submissions from 5 submitters: Benign (4); Likely benign (1). Last evaluated 2025-12-04.

Conditions:
Cryopyrin associated periodic syndrome (CAPS). Identifiers: Orphanet 208650, MedGen C2316212, MONDO:0016168.

Allele frequency attached by ClinVar (database versions not stated): TOPMed 0.00006; ExAC 0.00024; gnomAD 0.00002 and 0.00004.
gnomAD v4.1: 87 of 1,614,028 alleles (0.0054%); highest among the groups gnomAD compares: Admixed American, 0.055%; 2 homozygotes.

Submissions (5):

Labcorp Genetics (formerly Invitae), Labcorp
Classification: Benign for Cryopyrin associated periodic syndrome. Last evaluated: 2025-12-04. Review status: criteria provided, single submitter. Criteria: Invitae Variant Classification Sherloc (09022015). Collection method: clinical testing. Allele origin: germline.

Women's Health and Genetics/Laboratory Corporation of America, LabCorp
Classification: Benign. Last evaluated: 2025-07-28. Review status: criteria provided, single submitter. Criteria: LabCorp Variant Classification Summary - May 2015. Collection method: clinical testing. Allele origin: germline.

ARUP Laboratories, Molecular Genetics and Genomics, ARUP Laboratories
Classification: Likely benign. Last evaluated: 2024-11-12. Review status: criteria provided, single submitter. Criteria: ARUP Molecular Germline Variant Investigation Process 2024. Collection method: clinical testing. Allele origin: germline.

Mayo Clinic Laboratories, Mayo Clinic
Classification: Benign. Last evaluated: 2024-11-06. Review status: criteria provided, single submitter. Criteria: ACMG Guidelines, 2015. Collection method: clinical testing. Allele origin: germline. Observed: 1 variant allele.
Comment: BS1, BS2

Breakthrough Genomics
Classification: Benign. Review status: criteria provided, single submitter. Criteria: ACMG Guidelines, 2015. Collection method: not provided. Allele origin: germline. Inheritance: Autosomal dominant inheritance. Affected: yes.

NM_001243133.2(NLRP3):c.2343G>A (p.Ser781=)

Gene: NLRP3 (NLR family pyrin domain containing 3; plus strand). Cytogenetic location: 1q44.
Variant type: single nucleotide variant.
Coding change: c.2343G>A on transcript NM_001243133.2 (MANE Select); coding-DNA position 2343, G replaced by A.
Protein change: p.Ser781=; no amino-acid change (serine 781 retained).
Molecular consequence: synonymous variant.
Genome position (GRCh38, 1-based): chr1:247,434,124, G>A. VCF-style: chr1-247434124-G-A. GRCh37 (hg19) VCF-style: chr1-247597426-G-A.
Other names: p.Ser783=; c.2343G>A, p.Ser781= (NM_001079821.3, NM_001127461.3); c.2172G>A, p.Ser724= (NM_001127462.3, NM_183395.3); c.2349G>A, p.Ser783= (NM_004895.5).
Identifiers: ClinVar variation 469050 (VCV000469050.14), dbSNP rs764753476, ClinGen allele CA1495221.